The following is an entry in ClinVar:

ClinVar aggregate classification (germline): Uncertain significance (1 of 4 stars; one submission).

Conditions:
Agammaglobulinemia 2, autosomal recessive (AGM2). Also called: AGAMMAGLOBULINEMIA, AUTOSOMAL RECESSIVE, DUE TO IGLL1 DEFECT. Identifiers: MedGen C3150750, MONDO:0013287, OMIM 613500.

Submission:

Labcorp Genetics (formerly Invitae), Labcorp
Classification: Uncertain significance for Agammaglobulinemia 2, autosomal recessive. Last evaluated: 2023-09-19. Review status: criteria provided, single submitter. Criteria: Invitae Variant Classification Sherloc (09022015). Collection method: clinical testing. Allele origin: germline.
Comment: In summary, the available evidence is currently insufficient to determine the role of this variant in disease. Therefore, it has been classified as a Variant of Uncertain Significance. An algorithm developed to predict the effect of missense changes on protein structure and function (PolyPhen-2) suggests that this variant is likely to be tolerated. This variant has not been reported in the literature in individuals affected with IGLL1-related conditions. This variant is not present in population databases (gnomAD no frequency). This sequence change replaces proline, which is neutral and non-polar, with serine, which is neutral and polar, at codon 16 of the IGLL1 protein (p.Pro16Ser).

NM_020070.4(IGLL1):c.46C>T (p.Pro16Ser)

Gene: IGLL1 (immunoglobulin lambda like polypeptide 1; minus strand). Cytogenetic location: 22q11.23.
Variant type: single nucleotide variant.
Coding change: c.46C>T on transcript NM_020070.4 (MANE Select); coding-DNA position 46, C replaced by T.
Protein change: p.Pro16Ser; replaces proline 16 with serine.
Molecular consequence: missense variant.
Genome position (GRCh38, 1-based): chr22:23,580,145, G>A on the plus strand (C>T on the coding strand, the complement: IGLL1 is on the minus strand). VCF-style: chr22-23580145-G-A. GRCh37 (hg19) VCF-style: chr22-23922332-G-A.
Other names: c.46C>T, p.Pro16Ser (NM_001369906.1, NM_152855.3); short protein forms P16S.
Identifiers: ClinVar variation 2733911 (VCV002733911.3), dbSNP rs1298398827, ClinGen allele CA410899596.